The following is an entry in ClinVar:

ClinVar aggregate classification (germline): Likely benign (1 of 4 stars; one submission).

Allele frequency attached by ClinVar (database versions not stated): ExAC 0.00004.

Submission:

CeGaT Center for Human Genetics Tuebingen
Classification: Likely benign. Last evaluated: 2022-03-01. Review status: criteria provided, single submitter. Criteria: CeGaT Center For Human Genetics Tuebingen Variant Classification Criteria Version 2. Collection method: clinical testing. Allele origin: germline. Affected: yes. Observed: 1 variant allele.
Comment: WDR6: BP4, BP7

NC_000003.12:g.49007356G>C

Gene: WDR6 (WD repeat domain 6; plus strand). Cytogenetic location: 3p21.31.
Variant type: single nucleotide variant.
Genome position: GRCh38 VCF-style: chr3-49007356-G-C. GRCh37 (hg19) VCF-style: chr3-49044789-G-C.
Identifiers: ClinVar variation 2653814 (VCV002653814.22), dbSNP rs753090519, ClinGen allele CA2388674.
Genomic context (GRCh38, chr3:49,007,356, plus strand): 5'-CCGCGGGCGCCCTGGTCTCTGCTACCTGTAGCTGAGGGCGCTGTTGATGGGCAGCGCGGC[G>C]CGCTGGGAAGGCTCGTTCTCGCGAGAGTTCAGCTCCCTTCTTAGCCGTGGCTGCCTCAGC-3'